The following is an entry in ClinVar:

NM_000051.4(ATM):c.7934T>G (p.Ile2645Arg)

Genes: ATM (ATM serine/threonine kinase; plus strand), C11orf65 (chromosome 11 open reading frame 65; minus strand). Cytogenetic location: 11q22.3.
Variant type: single nucleotide variant.
Coding change: c.7934T>G on transcript NM_000051.4 (MANE Select); coding-DNA position 7934, T replaced by G.
Protein change: p.Ile2645Arg; replaces isoleucine 2645 with arginine.
Molecular consequence: missense variant. On other transcripts: intron variant (2).
Genome position (GRCh38, 1-based): chr11:108,333,892, T>G. VCF-style: chr11-108333892-T-G. GRCh37 (hg19) VCF-style: chr11-108204619-T-G.
Other names: c.7934T>G, p.Ile2645Arg (NM_001351834.2); c.641-24821A>C (NM_001330368.2); c.*38+1328A>C (NM_001351110.2); short protein forms I2645R.
Identifiers: ClinVar variation 2574812 (VCV002574812.1), dbSNP rs2547312786, ClinGen allele CA382561663.
Genomic context (GRCh38, chr11:108,333,892, plus strand): 5'-CCTTCAATGCTGTTCCTCAGTTTGTCACTAAAATCTCTTCATTTTTAAATACAGAAGGCA[T>G]AAATATTCCAGCAGACCAGCCAATTACTAAACTTAAGAATTTAGAAGATGTTGTTGTCCC-3'
Protein context (NP_000042.3, residues 2635-2655): ATQWKTQRKG[Ile2645Arg]NIPADQPITK

ClinVar aggregate classification (germline): Uncertain significance (1 of 4 stars; one submission).

Submission:

GeneDx
Classification: Uncertain significance. Last evaluated: 2023-02-01. Review status: criteria provided, single submitter. Criteria: GeneDx Variant Classification Process June 2021. Collection method: clinical testing. Allele origin: germline. Affected: yes.
Comment: Not observed at significant frequency in large population cohorts (gnomAD); In silico analysis supports that this missense variant has a deleterious effect on protein structure/function; Has not been previously published as pathogenic or benign to our knowledge